The following is an entry in ClinVar:

ClinVar aggregate classification (germline): Uncertain significance (1 of 4 stars; one submission).

Conditions:
Congenital dyserythropoietic anemia, type III (CDAN3A). Also called: Dyserythropoietic anemia, congenital type 3; ERYTHRORETICULOSIS, HEREDITARY BENIGN; ANEMIA WITH MULTINUCLEATED ERYTHROBLASTS. Identifiers: Orphanet 98870, MedGen C5676874, MONDO:0007109, OMIM 105600.

Submission:

Juno Genomics, Hangzhou Juno Genomics, Inc
Classification: Uncertain significance for Congenital dyserythropoietic anemia, type III. Review status: criteria provided, single submitter. Criteria: ACMG Guidelines, 2015. Collection method: clinical testing. Allele origin: germline.
Comment: Absent from controls (or at extremely low frequency if recessive) in Genome Aggregation Database.;Missense variant in a gene that has a low rate of benign missense variation.;Multiple lines of computational evidence support a deleterious effect on the gene or gene product.

NM_001367805.3(KIF23):c.1330G>A (p.Ala444Thr)

Gene: KIF23 (kinesin family member 23; plus strand). Cytogenetic location: 15q23.
Variant type: single nucleotide variant.
Coding change: c.1330G>A on transcript NM_001367805.3 (MANE Select); coding-DNA position 1330, G replaced by A.
Protein change: p.Ala444Thr; replaces alanine 444 with threonine.
Molecular consequence: missense variant. On other transcripts: non-coding transcript variant (2).
Genome position (GRCh38, 1-based): chr15:69,436,153, G>A. VCF-style: chr15-69436153-G-A. GRCh37 (hg19) VCF-style: chr15-69728492-G-A.
Other names: c.958G>A, p.Ala320Thr (NM_001281301.2); c.1288G>A, p.Ala430Thr (NM_001367804.2, NM_004856.7, NM_138555.4); short protein forms A320T, A430T, A444T.
Identifiers: ClinVar variation 5019358 (VCV005019358.2).